The following is an entry in ClinVar:

ClinVar aggregate classification (germline): Uncertain significance. Review status: criteria provided, multiple submitters, no conflicts (2 of 4 stars). 3 submissions from 3 submitters: Uncertain significance (3). Last evaluated 2020-06-26.

Conditions:
Hereditary cancer-predisposing syndrome. Also called: Tumor predisposition; Neoplastic Syndromes, Hereditary; Hereditary neoplastic syndrome; Hereditary Cancer Syndrome. Identifiers: Orphanet 140162, MedGen C0027672, MeSH D009386, MONDO:0015356.
Hereditary nonpolyposis colorectal neoplasms. Identifiers: MedGen C0009405, MeSH D003123.

Submissions (3):

Labcorp Genetics (formerly Invitae), Labcorp
Classification: Uncertain significance for Hereditary nonpolyposis colorectal neoplasms. Last evaluated: 2020-06-26. Review status: criteria provided, single submitter. Criteria: Invitae Variant Classification Sherloc (09022015). Collection method: clinical testing. Allele origin: germline.
Comment: Algorithms developed to predict the effect of missense changes on protein structure and function (SIFT, PolyPhen-2, Align-GVGD) all suggest that this variant is likely to be tolerated, but these predictions have not been confirmed by published functional studies and their clinical significance is uncertain. In summary, the available evidence is currently insufficient to determine the role of this variant in disease. Therefore, it has been classified as a Variant of Uncertain Significance. This variant has not been reported in the literature in individuals with MSH6-related conditions. ClinVar contains an entry for this variant (Variation ID: 631423). This variant is not present in population databases (ExAC no frequency). This sequence change replaces valine with leucine at codon 717 of the MSH6 protein (p.Val717Leu). The valine residue is weakly conserved and there is a small physicochemical difference between valine and leucine.

Color Diagnostics, LLC DBA Color Health
Classification: Uncertain significance for Hereditary cancer-predisposing syndrome. Last evaluated: 2018-09-06. Review status: criteria provided, single submitter. Criteria: ACMG Guidelines, 2015. Collection method: clinical testing. Allele origin: germline.

Ambry Genetics
Classification: Uncertain significance for Hereditary cancer-predisposing syndrome. Last evaluated: 2017-12-14. Review status: criteria provided, single submitter. Criteria: Ambry Variant Classification Scheme 2023. Collection method: clinical testing. Allele origin: germline.
Comment: The p.V717L variant (also known as c.2149G>C), located in coding exon 4 of the MSH6 gene, results from a G to C substitution at nucleotide position 2149. The valine at codon 717 is replaced by leucine, an amino acid with highly similar properties. This amino acid position is not well conserved in available vertebrate species. In addition, this alteration is predicted to be tolerated by in silico analysis. In addition, the CoDP in silico tool predicts this alteration to have minor impact on molecular function, with a score of 0.020 (Terui H et al. J. Biomed. Sci. 2013 Apr;20:25). Since supporting evidence is limited at this time, the clinical significance of this alteration remains unclear.

NM_000179.3(MSH6):c.2149G>C (p.Val717Leu)

Gene: MSH6 (mutS homolog 6; plus strand). Cytogenetic location: 2p16.3.
Variant type: single nucleotide variant.
Coding change: c.2149G>C on transcript NM_000179.3 (MANE Select); coding-DNA position 2149, G replaced by C.
Protein change: p.Val717Leu; replaces valine 717 with leucine.
Molecular consequence: missense variant.
Genome position (GRCh38, 1-based): chr2:47,800,132, G>C. VCF-style: chr2-47800132-G-C. GRCh37 (hg19) VCF-style: chr2-48027271-G-C.
Other names: c.1759G>C, p.Val587Leu (NM_001281492.2); c.1243G>C, p.Val415Leu (NM_001281493.2, NM_001281494.2); short protein forms V717L, V415L, V587L.
Identifiers: ClinVar variation 631423 (VCV000631423.13), dbSNP rs1558664476, ClinGen allele CA346751106.